The following is an entry in ClinVar:

ClinVar aggregate classification (germline): Benign/Likely benign. Review status: criteria provided, multiple submitters, no conflicts (2 of 4 stars). 4 submissions from 4 submitters: Benign (3); Likely benign (1). Last evaluated 2026-04-01.

Allele frequency attached by ClinVar (database versions not stated): 1000 Genomes Project 30x 0.00203; 1000 Genomes Project 0.00220; TOPMed 0.00355; ESP Exome Variant Server 0.00371; gnomAD 0.00379 and 0.00391; gnomAD exomes 0.00491 and 0.00580; ExAC 0.00506.
gnomAD v4.1: 9,063 of 1,614,052 alleles (0.56%); highest among the groups gnomAD compares: South Asian, 1.1%; 36 homozygotes.

Submissions (4):

CeGaT Center for Human Genetics Tuebingen
Classification: Benign. Last evaluated: 2026-04-01. Review status: criteria provided, single submitter. Criteria: CeGaT Center For Human Genetics Tuebingen Variant Classification Criteria Version 2. Collection method: clinical testing. Allele origin: germline. Affected: yes. Observed: 1 variant allele.
Comment: CLTCL1: BP4, BP7, BS1, BS2

Mayo Clinic Laboratories, Mayo Clinic
Classification: Likely benign. Last evaluated: 2025-06-17. Review status: criteria provided, single submitter. Criteria: ACMG Guidelines, 2015. Collection method: clinical testing. Allele origin: germline. Observed: 7 variant alleles.
Comment: BS2, BP4, BP7

Labcorp Genetics (formerly Invitae), Labcorp
Classification: Benign. Last evaluated: 2019-12-31. Review status: criteria provided, single submitter. Criteria: Invitae Variant Classification Sherloc (09022015). Collection method: clinical testing. Allele origin: germline.

Breakthrough Genomics
Classification: Benign. Review status: criteria provided, single submitter. Criteria: ACMG Guidelines, 2015. Collection method: not provided. Allele origin: germline. Inheritance: Unknown mechanism. Affected: yes.

NM_007098.4(CLTCL1):c.1854G>A (p.Glu618=)

Gene: CLTCL1 (clathrin heavy chain like 1; minus strand). Cytogenetic location: 22q11.21.
Variant type: single nucleotide variant.
Coding change: c.1854G>A on transcript NM_007098.4 (MANE Select); coding-DNA position 1854, G replaced by A.
Protein change: p.Glu618=; no amino-acid change (glutamic acid 618 retained).
Molecular consequence: synonymous variant.
Genome position (GRCh38, 1-based): chr22:19,226,312, C>T on the plus strand (G>A on the coding strand, the complement: CLTCL1 is on the minus strand). VCF-style: chr22-19226312-C-T. GRCh37 (hg19) VCF-style: chr22-19213835-C-T.
Other names: p.Glu618=; c.1854G>A, p.Glu618= (NM_001835.4).
Identifiers: ClinVar variation 787687 (VCV000787687.8), dbSNP rs45590542, ClinGen allele CA10098542.